The following is an entry in ClinVar:

NM_001953.5(TYMP):c.788G>A (p.Gly263Glu)

Gene: TYMP (thymidine phosphorylase; minus strand). Cytogenetic location: 22q13.33.
Variant type: single nucleotide variant.
Coding change: c.788G>A on transcript NM_001953.5 (MANE Select); coding-DNA position 788, G replaced by A.
Protein change: p.Gly263Glu; replaces glycine 263 with glutamic acid.
Molecular consequence: missense variant.
Genome position (GRCh38, 1-based): chr22:50,526,716, C>T on the plus strand (G>A on the coding strand, the complement: TYMP is on the minus strand). VCF-style: chr22-50526716-C-T. GRCh37 (hg19) VCF-style: chr22-50965145-C-T.
Other names: c.788G>A, p.Gly263Glu (NM_001113755.3, NM_001113756.3, NM_001257988.1 and 1 more transcripts); short protein forms G263E.
Identifiers: ClinVar variation 2048472 (VCV002048472.1), dbSNP rs1199784789, ClinGen allele CA412199508.

ClinVar aggregate classification (germline): Uncertain significance (1 of 4 stars; one submission).

Allele frequency attached by ClinVar (database versions not stated): gnomAD exomes below 0.00001; TOPMed below 0.00001.

Submission:

Labcorp Genetics (formerly Invitae), Labcorp
Classification: Uncertain significance. Last evaluated: 2022-05-12. Review status: criteria provided, single submitter. Criteria: Invitae Variant Classification Sherloc (09022015). Collection method: clinical testing. Allele origin: germline.
Comment: This sequence change replaces glycine, which is neutral and non-polar, with glutamic acid, which is acidic and polar, at codon 263 of the TYMP protein (p.Gly263Glu). This variant is not present in population databases (gnomAD no frequency). This variant has not been reported in the literature in individuals affected with TYMP-related conditions. Advanced modeling of protein sequence and biophysical properties (such as structural, functional, and spatial information, amino acid conservation, physicochemical variation, residue mobility, and thermodynamic stability) performed at Invitae indicates that this missense variant is expected to disrupt TYMP protein function. In summary, the available evidence is currently insufficient to determine the role of this variant in disease. Therefore, it has been classified as a Variant of Uncertain Significance.